The following is an entry in ClinVar:

NM_002029.4(FPR1):c.946C>A (p.Leu316Ile)

Gene: FPR1 (formyl peptide receptor 1; minus strand). Cytogenetic location: 19q13.41.
Variant type: single nucleotide variant.
Coding change: c.946C>A on transcript NM_002029.4 (MANE Select); coding-DNA position 946, C replaced by A.
Protein change: p.Leu316Ile; replaces leucine 316 with isoleucine.
Molecular consequence: missense variant.
Genome position (GRCh38, 1-based): chr19:51,746,049, G>T on the plus strand (C>A on the coding strand, the complement: FPR1 is on the minus strand). VCF-style: chr19-51746049-G-T. GRCh37 (hg19) VCF-style: chr19-52249302-G-T.
Other names: c.946C>A, p.Leu316Ile (NM_001193306.2); short protein forms L316I.
Identifiers: ClinVar variation 4702334 (VCV004702334.1).

ClinVar aggregate classification (germline): Uncertain significance (1 of 4 stars; one submission).

Conditions:
Gingival disorder. Also called: Gingival disease. Identifiers: MedGen C0017563, MONDO:0002021.

Submission:

Labcorp Genetics (formerly Invitae), Labcorp
Classification: Uncertain significance for Gingival disorder. Last evaluated: 2025-10-20. Review status: criteria provided, single submitter. Criteria: Invitae Variant Classification Sherloc (09022015). Collection method: clinical testing. Allele origin: germline.
Comment: This sequence change replaces leucine, which is neutral and non-polar, with isoleucine, which is neutral and non-polar, at codon 316 of the FPR1 protein (p.Leu316Ile). This variant is not present in population databases (gnomAD no frequency). This variant has not been reported in the literature in individuals affected with FPR1-related conditions. An algorithm developed to predict the effect of missense changes on protein structure and function (PolyPhen-2) suggests that this variant is likely to be disruptive. In summary, the available evidence is currently insufficient to determine the role of this variant in disease. Therefore, it has been classified as a Variant of Uncertain Significance.